The following is an entry in ClinVar:

ClinVar aggregate classification (germline): Uncertain significance (1 of 4 stars; one submission).

Conditions:
Chromosome 2q32-q33 deletion syndrome (GLASS). Also called: Glass syndrome; 2q33.1 deletion syndrome. Identifiers: Orphanet 251019, MedGen C2676739, MONDO:0012864, OMIM 612313.

Submission:

Centre for Mendelian Genomics, University Medical Centre Ljubljana
Classification: Uncertain significance for Chromosome 2q32-q33 deletion syndrome. Last evaluated: 2020-03-29. Review status: criteria provided, single submitter. Criteria: ACMG Guidelines, 2015. Collection method: clinical testing. Allele origin: unknown. Affected: yes.
Comment: This variant was classified as: Uncertain significance. The available evidence on this variant's pathogenicity is insufficient or conflicting. The following ACMG criteria were applied in classifying this variant: PM2,PP2.

NM_001172509.2(SATB2):c.88A>G (p.Lys30Glu)

Gene: SATB2 (SATB homeobox 2; minus strand). Cytogenetic location: 2q33.1.
Variant type: single nucleotide variant.
Coding change: c.88A>G on transcript NM_001172509.2 (MANE Select); coding-DNA position 88, A replaced by G.
Protein change: p.Lys30Glu; replaces lysine 30 with glutamic acid.
Molecular consequence: missense variant. On other transcripts: non-coding transcript variant (1).
Genome position (GRCh38, 1-based): chr2:199,455,950, T>C on the plus strand (A>G on the coding strand, the complement: SATB2 is on the minus strand). VCF-style: chr2-199455950-T-C. GRCh37 (hg19) VCF-style: chr2-200320673-T-C.
Other names: c.88A>G, p.Lys30Glu (NM_001172517.1, NM_015265.4); short protein forms K30E.
Identifiers: ClinVar variation 931898 (VCV000931898.3), dbSNP rs1574645369, ClinGen allele CA350388512.